The following is an entry in ClinVar:

ClinVar aggregate classification (germline): Uncertain significance. Review status: criteria provided, multiple submitters, no conflicts (2 of 4 stars). 2 submissions from 2 submitters: Uncertain significance (2). Last evaluated 2024-03-06.

Conditions:
Wilson disease (WND). Also called: Wilson's disease. Identifiers: Orphanet 905, MedGen C0019202, MONDO:0010200, OMIM 277900. Disease mechanism: loss of function.

Allele frequency attached by ClinVar (database versions not stated): gnomAD 0.00001; gnomAD exomes 0.00001; TOPMed 0.00001.
gnomAD v4.1: 6 of 1,596,506 alleles (0.00038%); highest among the groups gnomAD compares: Non-Finnish European, 0.00034%; no homozygotes.

Submissions (2):

Color Diagnostics, LLC DBA Color Health
Classification: Uncertain significance for Wilson disease. Last evaluated: 2024-03-06. Review status: criteria provided, single submitter. Criteria: ACMG Guidelines, 2015. Collection method: clinical testing. Allele origin: germline.
Comment: This missense variant replaces lysine with arginine at codon 1013 of the ATP7B protein. Computational prediction suggests that this variant may not impact protein structure and function. To our knowledge, functional studies have not been reported for this variant. This variant has not been reported in individuals affected with ATP7B-related disorders in the literature. This variant has been identified in 1/220142 chromosomes in the general population by the Genome Aggregation Database (gnomAD). The available evidence is insufficient to determine the role of this variant in disease conclusively. Therefore, this variant is classified as a Variant of Uncertain Significance.

All of Us Research Program, National Institutes of Health
Classification: Uncertain significance for Wilson disease. Last evaluated: 2024-03-05. Review status: criteria provided, single submitter. Criteria: ACMG Guidelines, 2015. Collection method: clinical testing. Allele origin: germline. Inheritance: Autosomal recessive inheritance. Observed: 7 variant alleles, 7 heterozygotes.
Comment: This missense variant replaces lysine with arginine at codon 1013 of the ATP7B protein. Computational prediction suggests that this variant may not impact protein structure and function (internally defined REVEL score threshold <= 0.5, PMID: 27666373). To our knowledge, functional studies have not been reported for this variant. This variant has not been reported in individuals affected with ATP7B-related disorders in the literature. This variant has been identified in 1/220142 chromosomes in the general population by the Genome Aggregation Database (gnomAD). The available evidence is insufficient to determine the role of this variant in disease conclusively. Therefore, this variant is classified as a Variant of Uncertain Significance.

This study involves interpretation of variants in research participants for the purpose of population health screening. Participant phenotype was not available at the time of variant classification. Additional details can be found in publication PMID: 35346344, PMCID: PMC8962531

NM_000053.4(ATP7B):c.3038A>G (p.Lys1013Arg)

Gene: ATP7B (ATPase copper transporting beta; minus strand). Cytogenetic location: 13q14.3.
Variant type: single nucleotide variant.
Coding change: c.3038A>G on transcript NM_000053.4 (MANE Select); coding-DNA position 3038, A replaced by G.
Protein change: p.Lys1013Arg; replaces lysine 1013 with arginine.
Molecular consequence: missense variant. On other transcripts: intron variant (6).
Genome position (GRCh38, 1-based): chr13:51,946,306, T>C on the plus strand (A>G on the coding strand, the complement: ATP7B is on the minus strand). VCF-style: chr13-51946306-T-C. GRCh37 (hg19) VCF-style: chr13-52520442-T-C.
Other names: c.2903A>G, p.Lys968Arg (NM_001406519.1); c.2894A>G, p.Lys965Arg (NM_001406520.1, NM_001406521.1, NM_001406522.1); c.3038A>G, p.Lys1013Arg (NM_001406523.1, NM_001406526.1, NM_001406511.1 and 2 more transcripts); c.2861A>G, p.Lys954Arg (NM_001406524.1); c.2804A>G, p.Lys935Arg (NM_001406527.1, NM_001406528.1, NM_001330578.2 and 1 more transcripts); c.2798A>G, p.Lys933Arg (NM_001406530.1); c.2417A>G, p.Lys806Arg (NM_001005918.3); c.2705A>G, p.Lys902Arg (NM_001243182.2); and 18 more; short protein forms K1002R, K1013R, K583R, K797R, K806R, K819R, K851R, K870R.
Identifiers: ClinVar variation 3075600 (VCV003075600.3), dbSNP rs955438138, ClinGen allele CA250082037.